The following is an entry in ClinVar:

NM_145290.4(ADGRA3):c.1943C>T (p.Pro648Leu)

Gene: ADGRA3 (adhesion G protein-coupled receptor A3; minus strand). Cytogenetic location: 4p15.2.
Variant type: single nucleotide variant.
Coding change: c.1943C>T on transcript NM_145290.4 (MANE Select); coding-DNA position 1943, C replaced by T.
Protein change: p.Pro648Leu; replaces proline 648 with leucine.
Molecular consequence: missense variant.
Genome position (GRCh38, 1-based): chr4:22,413,681, G>A on the plus strand (C>T on the coding strand, the complement: ADGRA3 is on the minus strand). VCF-style: chr4-22413681-G-A. GRCh37 (hg19) VCF-style: chr4-22415304-G-A.
Other names: short protein forms P648L.
Identifiers: ClinVar variation 1500110 (VCV001500110.6), dbSNP rs765515331, ClinGen allele CA2873778.

ClinVar aggregate classification (germline): Uncertain significance (1 of 4 stars; one submission).

Allele frequency attached by ClinVar (database versions not stated): ExAC 0.00002; gnomAD exomes 0.00002 and 0.00006; gnomAD 0.00004 and 0.00005; TOPMed 0.00006.
gnomAD v4.1: 99 of 1,613,884 alleles (0.0061%); highest among the groups gnomAD compares: Non-Finnish European, 0.0081%; no homozygotes.

Submission:

Labcorp Genetics (formerly Invitae), Labcorp
Classification: Uncertain significance. Last evaluated: 2024-03-10. Review status: criteria provided, single submitter. Criteria: Invitae Variant Classification Sherloc (09022015). Collection method: clinical testing. Allele origin: germline.
Comment: This sequence change replaces proline, which is neutral and non-polar, with leucine, which is neutral and non-polar, at codon 648 of the ADGRA3 protein (p.Pro648Leu). This variant is present in population databases (rs765515331, gnomAD 0.004%). This variant has not been reported in the literature in individuals affected with ADGRA3-related conditions. ClinVar contains an entry for this variant (Variation ID: 1500110). An algorithm developed to predict the effect of missense changes on protein structure and function (PolyPhen-2) suggests that this variant is likely to be disruptive. In summary, the available evidence is currently insufficient to determine the role of this variant in disease. Therefore, it has been classified as a Variant of Uncertain Significance.